The following is an entry in ClinVar:

ClinVar aggregate classification (germline): Uncertain significance. Review status: criteria provided, multiple submitters, no conflicts (2 of 4 stars). 2 submissions from 2 submitters: Uncertain significance (2). Last evaluated 2025-09-01.

Conditions:
MHC class I deficiency. Identifiers: Orphanet 34592, MedGen C6024714, MONDO:0011476.
Inborn genetic diseases. Identifiers: MedGen C0950123, MeSH D030342.

Allele frequency attached by ClinVar (database versions not stated): TOPMed 0.00004; gnomAD exomes 0.00002; gnomAD 0.00005; ESP Exome Variant Server 0.00024; ExAC 0.00003.
gnomAD v4.1: 124 of 1,612,948 alleles (0.0077%); highest among the groups gnomAD compares: Non-Finnish European, 0.01%; no homozygotes.

Submissions (2):

Ambry Genetics
Classification: Uncertain significance for Inborn genetic diseases. Last evaluated: 2025-09-01. Review status: criteria provided, single submitter. Criteria: Ambry Variant Classification Scheme 2023. Collection method: clinical testing. Allele origin: germline.

Labcorp Genetics (formerly Invitae), Labcorp
Classification: Uncertain significance for MHC class I deficiency 1. Last evaluated: 2021-10-25. Review status: criteria provided, single submitter. Criteria: Invitae Variant Classification Sherloc (09022015). Collection method: clinical testing. Allele origin: germline.
Comment: This sequence change replaces threonine with serine at codon 295 of the TAP1 protein (p.Thr295Ser). The threonine residue is moderately conserved and there is a small physicochemical difference between threonine and serine. This variant is present in population databases (rs147066418, ExAC 0.01%). This variant has not been reported in the literature in individuals affected with TAP1-related conditions. Algorithms developed to predict the effect of missense changes on protein structure and function are either unavailable or do not agree on the potential impact of this missense change (SIFT: "Deleterious"; PolyPhen-2: "Probably Damaging"; Align-GVGD: "Class C0"). Algorithms developed to predict the effect of sequence changes on RNA splicing suggest that this variant may create or strengthen a splice site. In summary, the available evidence is currently insufficient to determine the role of this variant in disease. Therefore, it has been classified as a Variant of Uncertain Significance.

NM_000593.6(TAP1):c.704C>G (p.Thr235Ser)

Gene: TAP1 (transporter 1, ATP binding cassette subfamily B member; minus strand). Cytogenetic location: 6p21.32.
Variant type: single nucleotide variant.
Coding change: c.704C>G on transcript NM_000593.6 (MANE Select); coding-DNA position 704, C replaced by G.
Protein change: p.Thr235Ser; replaces threonine 235 with serine.
Molecular consequence: missense variant.
Genome position (GRCh38, 1-based): chr6:32,852,397, G>C on the plus strand (C>G on the coding strand, the complement: TAP1 is on the minus strand). VCF-style: chr6-32852397-G-C. GRCh37 (hg19) VCF-style: chr6-32820174-G-C.
Other names: c.101C>G, p.Thr34Ser (NM_001292022.2); c.884C>G (NM_000593.5); short protein forms T235S, T34S.
Identifiers: ClinVar variation 1005973 (VCV001005973.5), dbSNP rs147066418, ClinGen allele CA3746964.